The following is an entry in ClinVar:

ClinVar aggregate classification (germline): Conflicting classifications of pathogenicity. Review status: criteria provided, conflicting classifications (1 of 4 stars). 4 submissions from 4 submitters: Uncertain significance (3); Benign (1). Last evaluated 2025-09-19.

Conditions:
Lynch syndrome. Identifiers: Orphanet 144, MedGen C4552100, MONDO:0005835. Disease mechanism: loss of function.
Hereditary nonpolyposis colorectal neoplasms. Identifiers: MedGen C0009405, MeSH D003123.
Hereditary cancer-predisposing syndrome. Also called: Neoplastic Syndromes, Hereditary; Tumor predisposition; Hereditary Cancer Syndrome; Hereditary neoplastic syndrome. Identifiers: Orphanet 140162, MedGen C0027672, MeSH D009386, MONDO:0015356.

Allele frequency attached by ClinVar (database versions not stated): gnomAD exomes below 0.00001; ExAC 0.00001; gnomAD 0.00001.
gnomAD v4.1: 3 of 1,614,020 alleles (0.00019%); highest among the groups gnomAD compares: African/African-American, 0.0027%; no homozygotes.

Submissions (4):

Labcorp Genetics (formerly Invitae), Labcorp
Classification: Benign for Hereditary nonpolyposis colorectal neoplasms. Last evaluated: 2025-09-19. Review status: criteria provided, single submitter. Criteria: Invitae Variant Classification Sherloc (09022015). Collection method: clinical testing. Allele origin: germline.

Ambry Genetics
Classification: Uncertain significance for Hereditary cancer-predisposing syndrome. Last evaluated: 2024-06-14. Review status: criteria provided, single submitter. Criteria: Ambry Variant Classification Scheme 2023. Collection method: clinical testing. Allele origin: germline.
Comment: The p.G163S variant (also known as c.487G>A), located in coding exon 3 of the MSH6 gene, results from a G to A substitution at nucleotide position 487. The glycine at codon 163 is replaced by serine, an amino acid with similar properties. This amino acid position is highly conserved in available vertebrate species. In addition, the in silico prediction for this alteration is inconclusive. Based on the available evidence, the clinical significance of this variant remains unclear.

Department of Pathology and Laboratory Medicine, Sinai Health System
Classification: Uncertain significance for Lynch syndrome. Last evaluated: 2024-01-25. Review status: criteria provided, single submitter. Criteria: ACMG Guidelines, 2015. Collection method: clinical testing. Allele origin: germline. Affected: yes.

Color Diagnostics, LLC DBA Color Health
Classification: Uncertain significance for Hereditary cancer-predisposing syndrome. Last evaluated: 2021-10-05. Review status: criteria provided, single submitter. Criteria: ACMG Guidelines, 2015. Collection method: clinical testing. Allele origin: germline.
Comment: This missense variant replaces glycine with serine at codon 163 of the MSH6 protein. Computational prediction suggests that this variant may not impact protein structure and function (internally defined REVEL score threshold <= 0.5, PMID: 27666373). To our knowledge, functional studies have not been reported for this variant. This variant has not been reported in individuals affected with hereditary cancer in the literature. This variant has been identified in 3/282814 chromosomes in the general population by the Genome Aggregation Database (gnomAD). The available evidence is insufficient to determine the role of this variant in disease conclusively. Therefore, this variant is classified as a Variant of Uncertain Significance.

NM_000179.3(MSH6):c.487G>A (p.Gly163Ser)

Gene: MSH6 (mutS homolog 6; plus strand). Cytogenetic location: 2p16.3.
Variant type: single nucleotide variant.
Coding change: c.487G>A on transcript NM_000179.3 (MANE Select); coding-DNA position 487, G replaced by A.
Protein change: p.Gly163Ser; replaces glycine 163 with serine.
Molecular consequence: missense variant. On other transcripts: 5 prime UTR variant (1), intron variant (2).
Genome position (GRCh38, 1-based): chr2:47,795,923, G>A. VCF-style: chr2-47795923-G-A. GRCh37 (hg19) VCF-style: chr2-48023062-G-A.
Other names: c.-416G>A (NM_001281494.2); c.-279-2688G>A (NM_001281493.2); c.238-2688G>A (NM_001281492.2); short protein forms G163S.
Identifiers: ClinVar variation 483830 (VCV000483830.19), dbSNP rs776065389, ClinGen allele CA073044.